The following is an entry in ClinVar:

arr[hg19]11p11.2(47339995x2,47343435_47375684x1,47387184x2)

Genes: MADD (MAP kinase activating death domain; plus strand), MYBPC3 (myosin binding protein C3; minus strand). Cytogenetic location: 11p11.2.
Variant type: copy number loss.
Identifiers: ClinVar variation 635764 (VCV000635764.2).

ClinVar aggregate classification (germline): Pathogenic (0 of 4 stars; one submission).

Conditions:
Left ventricular noncompaction 10 (LVNC10). Identifiers: Orphanet 154, Orphanet 54260, MedGen C3715165, MONDO:0014163, OMIM 615396.

Submission:

Klaassen Lab, Charite University Medicine Berlin
Classification: Pathogenic for Left ventricular noncompaction 10. Review status: no assertion criteria provided. Collection method: research. Allele origin: maternal. Affected: yes. Observed: 1 variant allele.
Comment: Found in compound heterozygosity with NM_000256.3:c.2572A>C

Literature cited by the submitters: PubMed 30924982; PubMed 21551322.